The following is an entry in ClinVar:

NM_001134793.2(HYLS1):c.197dup (p.Gln67fs)

Genes: HYLS1 (HYLS1 centriolar and ciliogenesis associated; plus strand), PUS3 (pseudouridine synthase 3; minus strand). Cytogenetic location: 11q24.2.
Variant type: Duplication.
Coding change: c.197dup on transcript NM_001134793.2 (MANE Select); coding-DNA position 197, one base duplicated (T; older notation c.197dupT).
Protein change: p.Gln67fs; shifts the reading frame from glutamine 67.
Molecular consequence: frameshift variant. On other transcripts: intron variant (7).
Genome position (GRCh38, 1-based): chr11:125,899,565, T duplicated. VCF-style (leftmost placement, unchanged base first): chr11-125899564-G-GT. GRCh37 (hg19) VCF-style: chr11-125769459-G-GT.
Other names: c.197dup, p.Gln67fs (NM_001377269.1, NM_001377270.1, NM_001424364.1 and 1 more transcripts); c.-247+3605dup (NM_001271985.2); c.-46-3235dup (NM_001441241.1, NM_001441239.1, NM_031307.4); c.-247+1114dup (NM_001441238.1); c.-47+1114dup (NM_001441240.1, NM_001441237.1); short protein forms Q67fs.
Identifiers: ClinVar variation 4816851 (VCV004816851.1).

ClinVar aggregate classification (germline): Likely pathogenic (1 of 4 stars; one submission).

Conditions:
Hydrolethalus syndrome. Identifiers: Orphanet 2189, MedGen C2931104, MONDO:0006037.

Submission:

Natera, Inc.
Classification: Likely pathogenic for Hydrolethalus syndrome. Last evaluated: 2025-12-30. Review status: criteria provided, single submitter. Criteria: Natera Variant Classification Schema (03/2026). Collection method: clinical testing. Allele origin: germline.
Comment: The c.197dupT variant in HYLS1 is a frameshift variant predicted to shift the reading frame beginning at codon 67 and leads to a stop codon 10 codons downstream. This variant is expected to result in nonsense mediated decay, truncation, or a dysfunctional protein product. This variant is rare in the general population with a frequency below the threshold expected for the associated phenotype(s). Given the available evidence, this variant is classified as Likely Pathogenic.